The following is an entry in ClinVar:

ClinVar aggregate classification (germline): Likely benign (1 of 4 stars; one submission).

Allele frequency attached by ClinVar (database versions not stated): 1000 Genomes Project 0.00499; 1000 Genomes Project 30x 0.00515; TOPMed 0.00749.
gnomAD v4.1: 1,823 of 1,613,852 alleles (0.11%); highest among the groups gnomAD compares: African/African-American, 2.2%; 26 homozygotes.

Submission:

GeneDx
Classification: Likely benign. Last evaluated: 2018-06-16. Review status: criteria provided, single submitter. Criteria: GeneDx Variant Classification (06012015). Collection method: clinical testing. Allele origin: germline. Affected: yes.
Comment: This variant is considered likely benign or benign based on one or more of the following criteria: it is a conservative change, it occurs at a poorly conserved position in the protein, it is predicted to be benign by multiple in silico algorithms, and/or has population frequency not consistent with disease.

NM_000218.3(KCNQ1):c.1394-41G>C

Genes: KCNQ1 (potassium voltage-gated channel subfamily Q member 1; plus strand), KCNQ1OT1 (KCNQ1 opposite strand/antisense transcript 1; minus strand). Cytogenetic location: 11p15.5.
Variant type: single nucleotide variant.
Coding change: c.1394-41G>C on transcript NM_000218.3 (MANE Select); 41 bases into the intron before coding-DNA position 1394, G replaced by C.
Molecular consequence: intron variant.
Genome position (GRCh38, 1-based): chr11:2,661,920, G>C. VCF-style: chr11-2661920-G-C. GRCh37 (hg19) VCF-style: chr11-2683150-G-C.
Other names: c.1124-41G>C (NM_001406837.1); c.1298-41G>C (NM_001406836.1); c.854-41G>C (NM_001406838.1); c.1013-41G>C (NM_181798.2).
Identifiers: ClinVar variation 676027 (VCV000676027.3), dbSNP rs74046836, ClinGen allele CA029671.
Genomic context (GRCh38, chr11:2,661,920, plus strand): 5'-CTCCACTCCTCACCTGGCCCTGGGAGCTCACAGGCCTGGCTCCACAGCACTGGCAGGTTG[G>C]GTGGGAGGCCTAACGTGCTGTCCCCACACTTTCTCCTCAGTAAGGAAGAGCCCAACACTG-3'